The following is an entry in ClinVar:

NM_000143.4(FH):c.1254C>T (p.His418=)

Gene: FH (fumarate hydratase; minus strand). Cytogenetic location: 1q43.
Variant type: single nucleotide variant.
Coding change: c.1254C>T on transcript NM_000143.4 (MANE Select); coding-DNA position 1254, C replaced by T.
Protein change: p.His418=; no amino-acid change (histidine 418 retained).
Molecular consequence: synonymous variant.
Genome position (GRCh38, 1-based): chr1:241,500,573, G>A on the plus strand (C>T on the coding strand, the complement: FH is on the minus strand). VCF-style: chr1-241500573-G-A. GRCh37 (hg19) VCF-style: chr1-241663873-G-A.
Other names: c.1254C>T (NM_000143.3).
Identifiers: ClinVar variation 1110663 (VCV001110663.11), dbSNP rs1659748455, ClinGen allele CA424075540.

ClinVar aggregate classification (germline): Benign/Likely benign. Review status: criteria provided, multiple submitters, no conflicts (2 of 4 stars). 3 submissions from 3 submitters: Benign (1); Likely benign (2). Last evaluated 2026-01-09.

Conditions:
Hereditary leiomyomatosis and renal cell cancer. Also called: Reed syndrome; Multiple cutaneous and uterine leiomyomatosis; Cutaneous leiomyomata with uterine leiomyomata; Leiomyoma, hereditary multiple, of skin; Multiple cutaneous and uterine leiomyomata; Multiple cutaneous leiomyomas. Identifiers: Orphanet 523, MedGen C1708350, MONDO:0007888, OMIM 150800, HP:0007437. Disease mechanism: loss of function.
Hereditary cancer-predisposing syndrome. Also called: Neoplastic Syndromes, Hereditary; Hereditary Cancer Syndrome; Hereditary neoplastic syndrome; Tumor predisposition. Identifiers: Orphanet 140162, MedGen C0027672, MeSH D009386, MONDO:0015356.

Allele frequency attached by ClinVar (database versions not stated): gnomAD exomes below 0.00001; TOPMed below 0.00001; gnomAD 0.00001.
gnomAD v4.1: 2 of 1,606,810 alleles (0.00012%); highest among the groups gnomAD compares: Admixed American, 0.0017%; no homozygotes.

Submissions (3):

Labcorp Genetics (formerly Invitae), Labcorp
Classification: Likely benign. Last evaluated: 2026-01-09. Review status: criteria provided, single submitter. Criteria: Invitae Variant Classification Sherloc (09022015). Collection method: clinical testing. Allele origin: germline.

Ambry Genetics
Classification: Likely benign for Hereditary cancer-predisposing syndrome. Last evaluated: 2025-05-15. Review status: criteria provided, single submitter. Criteria: Ambry Variant Classification Scheme 2023. Collection method: clinical testing. Allele origin: germline.

Myriad Genetics, Inc.
Classification: Benign for Hereditary leiomyomatosis and renal cell cancer. Last evaluated: 2024-10-21. Review status: criteria provided, single submitter. Criteria: Myriad Autosomal Dominant, Autosomal Recessive and X-Linked Classification Criteria (2023). Collection method: clinical testing. Allele origin: unknown.
Comment: This variant is considered benign. This variant is a silent/synonymous amino acid change and it is not expected to impact splicing.